The following is an entry in ClinVar:

ClinVar aggregate classification (germline): Uncertain significance. Review status: criteria provided, multiple submitters, no conflicts (2 of 4 stars). 2 submissions from 2 submitters: Uncertain significance (2). Last evaluated 2022-05-06.

Conditions:
Inborn genetic diseases. Identifiers: MedGen C0950123, MeSH D030342.

Allele frequency attached by ClinVar (database versions not stated): ExAC 0.00001; gnomAD exomes 0.00002; TOPMed 0.00004; gnomAD 0.00008.
gnomAD v4.1: 49 of 1,613,148 alleles (0.003%); highest among the groups gnomAD compares: East Asian, 0.058%; 1 homozygote.

Submissions (2):

Ambry Genetics
Classification: Uncertain significance for Inborn genetic diseases. Last evaluated: 2022-05-06. Review status: criteria provided, single submitter. Criteria: Ambry Variant Classification Scheme 2023. Collection method: clinical testing. Allele origin: germline.

Labcorp Genetics (formerly Invitae), Labcorp
Classification: Uncertain significance. Last evaluated: 2022-04-06. Review status: criteria provided, single submitter. Criteria: Invitae Variant Classification Sherloc (09022015). Collection method: clinical testing. Allele origin: germline.
Comment: This sequence change replaces threonine, which is neutral and polar, with alanine, which is neutral and non-polar, at codon 2353 of the BPTF protein (p.Thr2353Ala). This variant is present in population databases (rs782759187, gnomAD 0.01%). This variant has not been reported in the literature in individuals affected with BPTF-related conditions. Algorithms developed to predict the effect of missense changes on protein structure and function (SIFT, PolyPhen-2, Align-GVGD) all suggest that this variant is likely to be tolerated. In summary, the available evidence is currently insufficient to determine the role of this variant in disease. Therefore, it has been classified as a Variant of Uncertain Significance.

NM_182641.4(BPTF):c.6679A>G (p.Thr2227Ala)

Gene: BPTF (bromodomain PHD finger transcription factor; plus strand). Cytogenetic location: 17q24.2.
Variant type: single nucleotide variant.
Coding change: c.6679A>G on transcript NM_182641.4 (MANE Select); coding-DNA position 6679, A replaced by G.
Protein change: p.Thr2227Ala; replaces threonine 2227 with alanine.
Molecular consequence: missense variant.
Genome position (GRCh38, 1-based): chr17:67,944,351, A>G. VCF-style: chr17-67944351-A-G. GRCh37 (hg19) VCF-style: chr17-65940467-A-G.
Other names: c.7057A>G, p.Thr2353Ala (NM_004459.7); c.6679A>G (NM_182641.3); short protein forms T2227A, T2353A.
Identifiers: ClinVar variation 2187636 (VCV002187636.2), dbSNP rs782759187, ClinGen allele CA8726244.